The following is an entry in ClinVar:

ClinVar aggregate classification (germline): Uncertain significance (1 of 4 stars; one submission).

Conditions:
Spermatogenic failure 18. Identifiers: MedGen C4539783, MONDO:0054615, OMIM 617576.
Ciliary dyskinesia, primary, 37 (CILD37). Also called: CILIARY DYSKINESIA, PRIMARY, 37, WITH OR WITHOUT SITUS INVERSUS. Identifiers: MedGen C4539798, MONDO:0033204, OMIM 617577.

gnomAD v4.1: 7 of 1,613,938 alleles (0.00043%); highest among the groups gnomAD compares: Non-Finnish European, 0.00051%; no homozygotes.

Submission:

Labcorp Genetics (formerly Invitae), Labcorp
Classification: Uncertain significance for Ciliary dyskinesia, primary, 37; Spermatogenic failure 18. Last evaluated: 2025-07-09. Review status: criteria provided, single submitter. Criteria: Invitae Variant Classification Sherloc (09022015). Collection method: clinical testing. Allele origin: germline.
Comment: This sequence change replaces proline, which is neutral and non-polar, with arginine, which is basic and polar, at codon 1261 of the DNAH1 protein (p.Pro1261Arg). This variant is not present in population databases (gnomAD no frequency). This variant has not been reported in the literature in individuals affected with DNAH1-related conditions. Invitae Evidence Modeling of protein sequence and biophysical properties (such as structural, functional, and spatial information, amino acid conservation, physicochemical variation, residue mobility, and thermodynamic stability) indicates that this missense variant is expected to disrupt DNAH1 protein function with a positive predictive value of 80%. In summary, the available evidence is currently insufficient to determine the role of this variant in disease. Therefore, it has been classified as a Variant of Uncertain Significance.

NM_015512.5(DNAH1):c.3782C>G (p.Pro1261Arg)

Gene: DNAH1 (dynein axonemal heavy chain 1; plus strand). Cytogenetic location: 3p21.1.
Variant type: single nucleotide variant.
Coding change: c.3782C>G on transcript NM_015512.5 (MANE Select); coding-DNA position 3782, C replaced by G.
Protein change: p.Pro1261Arg; replaces proline 1261 with arginine.
Molecular consequence: missense variant.
Genome position (GRCh38, 1-based): chr3:52,356,702, C>G. VCF-style: chr3-52356702-C-G. GRCh37 (hg19) VCF-style: chr3-52390718-C-G.
Other names: short protein forms P1261R.
Identifiers: ClinVar variation 4793916 (VCV004793916.1).